The following is an entry in ClinVar:

ClinVar aggregate classification (germline): Pathogenic. Review status: criteria provided, multiple submitters, no conflicts (2 of 4 stars). 2 submissions from 2 submitters: Pathogenic (2). Last evaluated 2025-11-05.

Conditions:
Chuvash polycythemia. Also called: POLYCYTHEMIA, VHL-DEPENDENT. Identifiers: Orphanet 238557, MedGen C1837915, MONDO:0009892, OMIM 263400.
Von Hippel-Lindau syndrome (VHLS). Also called: VHL syndrome; Von Hippel-Lindau; von Hippel–Lindau syndrome. Identifiers: Orphanet 892, MedGen C0019562, MONDO:0008667, OMIM 193300. Disease mechanism: loss of function.

Submissions (2):

Labcorp Genetics (formerly Invitae), Labcorp
Classification: Pathogenic for Von Hippel-Lindau syndrome; Chuvash polycythemia. Last evaluated: 2025-11-05. Review status: criteria provided, single submitter. Criteria: Invitae Variant Classification Sherloc (09022015). Collection method: clinical testing. Allele origin: germline.
Comment: This sequence change replaces serine, which is neutral and polar, with arginine, which is basic and polar, at codon 80 of the VHL protein (p.Ser80Arg). This variant is not present in population databases (gnomAD no frequency). This missense change has been observed in individuals with von Hippel-Lindau syndrome (PMID: 12202531, 33720516, 36625343, 36905328). ClinVar contains an entry for this variant (Variation ID: 496052). Invitae Evidence Modeling of protein sequence and biophysical properties (such as structural, functional, and spatial information, amino acid conservation, physicochemical variation, residue mobility, and thermodynamic stability) indicates that this missense variant is expected to disrupt VHL protein function with a positive predictive value of 95%. This variant disrupts the p.Ser80 amino acid residue in VHL. Other variant(s) that disrupt this residue have been determined to be pathogenic (PMID: 8707293, 9829912, 10567493, 15300849, 17661816, 25720320). This suggests that this residue is clinically significant, and that variants that disrupt this residue are likely to be disease-causing. For these reasons, this variant has been classified as Pathogenic.

Women's Health and Genetics/Laboratory Corporation of America, LabCorp
Classification: Pathogenic for Von Hippel-Lindau syndrome. Last evaluated: 2016-02-05. Review status: criteria provided, single submitter. Criteria: LabCorp Variant Classification Summary - May 2015. Collection method: clinical testing. Allele origin: germline.
Comment: Variant summary: The c.238A>C variant affects a conserved nucleotide, resulting in amino acid change from Ser to Arg. 4/4 in-silico tools predict damaging outcome for this variant. This variant has been reported in mutlitple VHL patients, including 10 affected members in one family. The variant is not found in 95076 control chromosomes. In addition, one reputable database classified this variant as "mutation". Amino acid changes at Ser80 (Ser80Gly, Ser80Ile, Ser80Asn) have been classified as pathogenic/likely pathogenic. Taken together, this variant was classified as pathogenic.

Literature cited by the submitters: PubMed 12202531 (cited by Labcorp Genetics (formerly Invitae), Labcorp and Women's Health and Genetics/Laboratory Corporation of America, LabCorp); PubMed 33720516 (cited by Labcorp Genetics (formerly Invitae), Labcorp); PubMed 36625343 (cited by Labcorp Genetics (formerly Invitae), Labcorp); PubMed 36905328 (cited by Labcorp Genetics (formerly Invitae), Labcorp); PubMed 8707293 (cited by Labcorp Genetics (formerly Invitae), Labcorp); PubMed 9829912 (cited by Labcorp Genetics (formerly Invitae), Labcorp); PubMed 10567493 (cited by Labcorp Genetics (formerly Invitae), Labcorp); PubMed 15300849 (cited by Labcorp Genetics (formerly Invitae), Labcorp); PubMed 17661816 (cited by Labcorp Genetics (formerly Invitae), Labcorp); PubMed 25720320 (cited by Labcorp Genetics (formerly Invitae), Labcorp); PubMed 12624160 (cited by Women's Health and Genetics/Laboratory Corporation of America, LabCorp).

NM_000551.4(VHL):c.238A>C (p.Ser80Arg)

Gene: VHL (von Hippel-Lindau tumor suppressor; plus strand). Cytogenetic location: 3p25.3.
Variant type: single nucleotide variant.
Coding change: c.238A>C on transcript NM_000551.4 (MANE Select); coding-DNA position 238, A replaced by C.
Protein change: p.Ser80Arg; replaces serine 80 with arginine.
Molecular consequence: missense variant.
Genome position (GRCh38, 1-based): chr3:10,142,085, A>C. VCF-style: chr3-10142085-A-C. GRCh37 (hg19) VCF-style: chr3-10183769-A-C.
Other names: c.238A>C, p.Ser80Arg (NM_001354723.2, NM_198156.3); short protein forms S80R.
Identifiers: ClinVar variation 496052 (VCV000496052.2), dbSNP rs786202787, ClinGen allele CA16621913.